The following is an entry in ClinVar:

ClinVar aggregate classification (germline): Pathogenic/Likely pathogenic. Review status: criteria provided, multiple submitters, no conflicts (2 of 4 stars). 6 submissions from 6 submitters: Pathogenic (3); Likely pathogenic (3). Last evaluated 2025-09-12.

Conditions:
Polycystic kidney disease 4 (PKD4). Also called: POLYCYSTIC KIDNEY AND HEPATIC DISEASE 1; POLYCYSTIC KIDNEY DISEASE, INFANTILE, TYPE I; POLYCYSTIC KIDNEY DISEASE 4 WITH OR WITHOUT POLYCYSTIC LIVER DISEASE; Autosomal Recessive Polycystic Kidney Disease – PKHD1; PKD3. Identifiers: MedGen C4540575, MONDO:0033004, OMIM 263200.
Autosomal recessive polycystic kidney disease (ARPKD). Also called: AR polycystic kidney disease. Identifiers: Orphanet 731, Orphanet 8378, MedGen C0085548, MeSH D017044, MONDO:0009889.

Submissions (6):

Natera, Inc.
Classification: Likely pathogenic for Autosomal recessive polycystic kidney disease. Last evaluated: 2025-09-12. Review status: criteria provided, single submitter. Criteria: Natera Variant Classification Schema (03/2026). Collection method: clinical testing. Allele origin: germline.
Comment: The c.6104delG variant in PKHD1 is a frameshift variant predicted to shift the reading frame beginning at codon 2035 and leads to a stop codon 12 codons downstream. This variant is expected to result in nonsense mediated decay, truncation, or a dysfunctional protein product. This variant is rare in the general population with a frequency below the threshold expected for the associated phenotype(s). Given the available evidence, this variant is classified as Likely Pathogenic.

Women's Health and Genetics/Laboratory Corporation of America, LabCorp
Classification: Pathogenic for Autosomal recessive polycystic kidney disease. Last evaluated: 2025-04-30. Review status: criteria provided, single submitter. Criteria: LabCorp Variant Classification Summary - May 2015. Collection method: clinical testing. Allele origin: germline.
Comment: Variant summary: PKHD1 c.6104delG (p.Gly2035GlufsX12) results in a premature termination codon, predicted to cause a truncation of the encoded protein or absence of the protein due to nonsense mediated decay, which are commonly known mechanisms for disease. The variant was absent in 251308 control chromosomes (gnomAD). To our knowledge, no occurrence of c.6104delG in individuals affected with Polycystic Kidney And Hepatic Disease and no experimental evidence demonstrating its impact on protein function have been reported. ClinVar contains an entry for this variant (Variation ID: 1453516). Based on the evidence outlined above, the variant was classified as pathogenic.

ARUP Laboratories, Molecular Genetics and Genomics, ARUP Laboratories
Classification: Pathogenic for Polycystic kidney disease 4. Last evaluated: 2024-02-15. Review status: criteria provided, single submitter. Criteria: ARUP Molecular Germline Variant Investigation Process 2024. Collection method: clinical testing. Allele origin: germline.
Comment: The PKHD1 c.6104del; p.Gly2035GlufsTer12 variant (rs2127768101), to our knowledge, is not reported in the medical literature but is reported as pathogenic/likely pathogenic in ClinVar (Variation ID: 1453516). This variant is absent from the Genome Aggregation Database (v2.1.1), indicating it is not a common polymorphism. This variant causes a frameshift by deleting a single nucleotide, so it is predicted to result in a truncated protein or mRNA subject to nonsense-mediated decay. Similar frameshift variants in downstream exons have been reported in individuals with clinical features of ARPKD (Burgmaier 2021). Based on available information, this variant is considered to be pathogenic. References: Burgmaier K et al. Refining genotype-phenotype correlations in 304 patients with autosomal recessive polycystic kidney disease and PKHD1 gene variants. Kidney Int. 2021 Sep;100(3):650-659. PMID: 33940108.

Fulgent Genetics
Classification: Likely pathogenic for Polycystic kidney disease 4. Last evaluated: 2022-05-04. Review status: criteria provided, single submitter. Criteria: ACMG Guidelines, 2015. Collection method: clinical testing. Allele origin: unknown.

Myriad Genetics, Inc.
Classification: Likely pathogenic for Polycystic kidney disease 4. Last evaluated: 2022-02-10. Review status: criteria provided, single submitter. Criteria: Myriad Women's Health Autosomal Recessive and X-Linked Classification Criteria (2021). Collection method: clinical testing. Allele origin: unknown.
Comment: NM_138694.3(PKHD1):c.6104delG(G2035Efs*12) is expected to be pathogenic in the context of autosomal recessive polycystic kidney disease, PKHD1-related. This variant is predicted to lead to an abnormal or absent protein product due to the creation of a premature termination codon in PKHD1, a gene where loss-of-function variants are known to be pathogenic. Please note: this variant was assessed in the context of healthy population screening.

Labcorp Genetics (formerly Invitae), Labcorp
Classification: Pathogenic for Autosomal recessive polycystic kidney disease. Last evaluated: 2020-12-13. Review status: criteria provided, single submitter. Criteria: Invitae Variant Classification Sherloc (09022015). Collection method: clinical testing. Allele origin: germline.
Comment: This sequence change creates a premature translational stop signal (p.Gly2035Glufs*12) in the PKHD1 gene. It is expected to result in an absent or disrupted protein product. Loss-of-function variants in PKHD1 are known to be pathogenic (PMID: 19940839). This variant is not present in population databases (ExAC no frequency). This variant has not been reported in the literature in individuals with PKHD1-related conditions. For these reasons, this variant has been classified as Pathogenic.

Literature cited by the submitters: PubMed 19940839 (cited by Labcorp Genetics (formerly Invitae), Labcorp).

NM_138694.4(PKHD1):c.6104del (p.Gly2035fs)

Gene: PKHD1 (PKHD1 ciliary IPT domain containing fibrocystin/polyductin; minus strand). Cytogenetic location: 6p12.2.
Variant type: Deletion.
Coding change: c.6104del on transcript NM_138694.4 (MANE Select); coding-DNA position 6104, one base deleted (G; older notation c.6104delG).
Protein change: p.Gly2035fs; shifts the reading frame from glycine 2035.
Molecular consequence: frameshift variant.
Genome position (GRCh38, 1-based): chr6:51,934,127, C deleted on the plus strand (G on the coding strand, the reverse complement: PKHD1 is on the minus strand); the first of 2 consecutive C bases (chr6:51,934,127-51,934,128); deleting either gives the same sequence. VCF-style (leftmost placement, unchanged base first): chr6-51934126-TC-T. GRCh37 (hg19) VCF-style: chr6-51798924-TC-T.
Other names: c.6104del, p.Gly2035fs (NM_170724.3); c.6104delG (NM_138694.3, NM_138694.4); short protein forms G2035fs.
Identifiers: ClinVar variation 1453516 (VCV001453516.14), dbSNP rs2127768101, ClinGen allele CA2573140946.